The following is an entry in ClinVar:

NM_001961.4(EEF2):c.272A>G (p.Gln91Arg)

Gene: EEF2 (eukaryotic translation elongation factor 2; minus strand). Cytogenetic location: 19p13.3.
Variant type: single nucleotide variant.
Coding change: c.272A>G on transcript NM_001961.4 (MANE Select); coding-DNA position 272, A replaced by G.
Protein change: p.Gln91Arg; replaces glutamine 91 with arginine.
Molecular consequence: missense variant.
Genome position (GRCh38, 1-based): chr19:3,983,238, T>C on the plus strand (A>G on the coding strand, the complement: EEF2 is on the minus strand). VCF-style: chr19-3983238-T-C. GRCh37 (hg19) VCF-style: chr19-3983236-T-C.
Other names: short protein forms Q91R.
Identifiers: ClinVar variation 3666148 (VCV003666148.2).
Genomic context (GRCh38, chr19:3,983,238, plus strand): 5'-AAGTCGACATGCCCGGGGGAGTCAATGAGGTTGATGAGGAAGCCGGCACCGTCCTTGCTC[T>C]GCTTGATGAAGTTCAAGTCATTCTCCGAGAGCTCGTAGAAGAGGGAGATGGCACTGATGG-3'
Protein context (NP_001952.1, residues 81-101): LSENDLNFIK[Gln91Arg]SKDGAGFLIN

ClinVar aggregate classification (germline): Uncertain significance (1 of 4 stars; one submission).

Submission:

Labcorp Genetics (formerly Invitae), Labcorp
Classification: Uncertain significance. Last evaluated: 2024-10-06. Review status: criteria provided, single submitter. Criteria: Invitae Variant Classification Sherloc (09022015). Collection method: clinical testing. Allele origin: germline.
Comment: This sequence change replaces glutamine, which is neutral and polar, with arginine, which is basic and polar, at codon 91 of the EEF2 protein (p.Gln91Arg). This variant is not present in population databases (gnomAD no frequency). This variant has not been reported in the literature in individuals affected with EEF2-related conditions. Invitae Evidence Modeling of protein sequence and biophysical properties (such as structural, functional, and spatial information, amino acid conservation, physicochemical variation, residue mobility, and thermodynamic stability) indicates that this missense variant is not expected to disrupt EEF2 protein function with a negative predictive value of 80%. In summary, the available evidence is currently insufficient to determine the role of this variant in disease. Therefore, it has been classified as a Variant of Uncertain Significance.